The following is an entry in ClinVar:

NM_007118.4(TRIO):c.34G>A (p.Ala12Thr)

Gene: TRIO (trio Rho guanine nucleotide exchange factor; plus strand). Cytogenetic location: 5p15.2.
Variant type: single nucleotide variant.
Coding change: c.34G>A on transcript NM_007118.4 (MANE Select); coding-DNA position 34, G replaced by A.
Protein change: p.Ala12Thr; replaces alanine 12 with threonine.
Molecular consequence: missense variant. On other transcripts: non-coding transcript variant (1).
Genome position (GRCh38, 1-based): chr5:14,143,759, G>A. VCF-style: chr5-14143759-G-A. GRCh37 (hg19) VCF-style: chr5-14143868-G-A.
Other names: short protein forms A12T.
Identifiers: ClinVar variation 785114 (VCV000785114.36), dbSNP rs1045136451, ClinGen allele CA114683588.

ClinVar aggregate classification (germline): Benign/Likely benign. Review status: criteria provided, multiple submitters, no conflicts (2 of 4 stars). 9 submissions from 9 submitters: Benign (3); Likely benign (3). 3 of the submissions do not count toward it. Last evaluated 2026-08-01.

Conditions:
Inborn genetic diseases. Identifiers: MedGen C0950123, MeSH D030342.
TRIO-related disorder. Also called: TRIO-related condition; TRIO-related disorders.

Allele frequency attached by ClinVar (database versions not stated): 1000 Genomes Project 30x 0.00078; gnomAD 0.00131 and 0.00141; TOPMed 0.00166.
gnomAD v4.1: 341 of 993,654 alleles (0.034%); highest among the groups gnomAD compares: African/African-American, 0.45%; no homozygotes.

Submissions (9):

CeGaT Center for Human Genetics Tuebingen
Classification: Likely benign. Last evaluated: 2026-08-01. Review status: criteria provided, single submitter. Criteria: CeGaT Center For Human Genetics Tuebingen Variant Classification Criteria Version 2. Collection method: clinical testing. Allele origin: germline. Affected: yes. Observed: 6 variant alleles.
Comment: TRIO: BS1

Blueprint Genetics
Classification: Likely benign. Last evaluated: 2024-11-25. Review status: criteria provided, single submitter. Criteria: ACMG Guidelines, 2015. Collection method: clinical testing. Allele origin: germline.

Ambry Genetics
Classification: Likely benign for Inborn genetic diseases. Last evaluated: 2021-04-03. Review status: criteria provided, single submitter. Criteria: Ambry Variant Classification Scheme 2023. Collection method: clinical testing. Allele origin: germline.

GeneDx
Classification: Benign. Last evaluated: 2020-03-20. Review status: criteria provided, single submitter. Criteria: GeneDx Variant Classification Process June 2021. Collection method: clinical testing. Allele origin: germline. Affected: yes.

Labcorp Genetics (formerly Invitae), Labcorp
Classification: Benign. Last evaluated: 2019-12-31. Review status: criteria provided, single submitter. Criteria: Invitae Variant Classification Sherloc (09022015). Collection method: clinical testing. Allele origin: germline.

Breakthrough Genomics
Classification: Benign. Review status: criteria provided, single submitter. Criteria: ACMG Guidelines, 2015. Collection method: not provided. Allele origin: germline. Inheritance: Autosomal dominant inheritance. Affected: yes.

PreventionGenetics, part of Exact Sciences
Classification: Likely benign for TRIO-related condition. Last evaluated: 2024-02-16. Review status: no assertion criteria provided. Collection method: clinical testing. Allele origin: germline. Not counted in ClinVar's aggregate classification.
Comment: This variant is classified as likely benign based on ACMG/AMP sequence variant interpretation guidelines (Richards et al. 2015 PMID: 25741868, with internal and published modifications).

Genome Diagnostics Laboratory, University Medical Center Utrecht
Classification: Likely benign. Review status: no assertion criteria provided. Collection method: clinical testing. Allele origin: germline. Affected: yes. Study: VKGL Data-share Consensus. Not counted in ClinVar's aggregate classification.

Laboratory of Diagnostic Genome Analysis, Leiden University Medical Center (LUMC)
Classification: Likely benign. Review status: no assertion criteria provided. Collection method: clinical testing. Allele origin: germline. Affected: yes. Study: VKGL Data-share Consensus. Not counted in ClinVar's aggregate classification.